The following is an entry in ClinVar:

ClinVar aggregate classification (germline): Benign/Likely benign. Review status: criteria provided, multiple submitters, no conflicts (2 of 4 stars). 2 submissions from 2 submitters: Benign (1); Likely benign (1). Last evaluated 2018-01-13.

Conditions:
Qualitative or quantitative defects of delta-sarcoglycan. Identifiers: Orphanet 207070, MedGen C5680806, MONDO:0016144.

Allele frequency attached by ClinVar (database versions not stated): gnomAD 0.08345 and 0.08564; TOPMed 0.09315; 1000 Genomes Project 0.09884; 1000 Genomes Project 30x 0.10212.

Submissions (2):

Illumina Laboratory Services, Illumina
Classification: Benign for Qualitative or quantitative defects of delta-sarcoglycan. Last evaluated: 2018-01-13. Review status: criteria provided, single submitter. Criteria: ICSL Variant Classification Criteria 13 December 2019. Collection method: clinical testing. Allele origin: germline.
Comment: This variant was observed in the ICSL laboratory as part of a predisposition screen in an ostensibly healthy population. It had not been previously curated by ICSL or reported in the Human Gene Mutation Database (HGMD: prior to June 1st, 2018), and was therefore a candidate for classification through an automated scoring system. Utilizing variant allele frequency, disease prevalence and penetrance estimates, and inheritance mode, an automated score was calculated to assess if this variant is too frequent to cause the disease. Based on the score and internal cut-off values, a variant classified as benign is not then subjected to further curation. The score for this variant resulted in a classification of benign for this disease.

Breakthrough Genomics
Classification: Likely benign. Review status: criteria provided, single submitter. Criteria: ACMG Guidelines, 2015. Collection method: not provided. Allele origin: germline. Inheritance: Autosomal recessive inheritance. Affected: yes.

NM_000337.6(SGCD):c.*2365T>C

Gene: SGCD (sarcoglycan delta; plus strand). Cytogenetic location: 5q33.3.
Variant type: single nucleotide variant.
Coding change: c.*2365T>C on transcript NM_000337.6 (MANE Select); 2365 bases downstream of the stop codon, T replaced by C.
Molecular consequence: 3 prime UTR variant.
Genome position (GRCh38, 1-based): chr5:156,761,755, T>C. VCF-style: chr5-156761755-T-C. GRCh37 (hg19) VCF-style: chr5-156188766-T-C.
Other names: c.*2365T>C (NM_001128209.2).
Identifiers: ClinVar variation 352361 (VCV000352361.7), dbSNP rs72803042, ClinGen allele CA10619786.